The following is an entry in ClinVar:

NM_198390.3(CMIP):c.759G>A (p.Arg253=)

Gene: CMIP (c-Maf inducing protein; plus strand). Cytogenetic location: 16q23.3.
Variant type: single nucleotide variant.
Coding change: c.759G>A on transcript NM_198390.3 (MANE Select); coding-DNA position 759, G replaced by A.
Protein change: p.Arg253=; no amino-acid change (arginine 253 retained).
Molecular consequence: synonymous variant.
Genome position (GRCh38, 1-based): chr16:81,664,283, G>A. VCF-style: chr16-81664283-G-A. GRCh37 (hg19) VCF-style: chr16-81697888-G-A.
Other names: c.477G>A, p.Arg159= (NM_030629.3).
Identifiers: ClinVar variation 3050507 (VCV003050507.2), dbSNP rs1464550853, ClinGen allele CA496706558.

ClinVar aggregate classification (germline): Likely benign (0 of 4 stars; one submission).

Conditions:
CMIP-related disorder. Also called: CMIP-related condition.

Allele frequency attached by ClinVar (database versions not stated): gnomAD 0.00001; TOPMed 0.00001.
gnomAD v4.1: 6 of 1,601,672 alleles (0.00037%); highest among the groups gnomAD compares: Non-Finnish European, 0.00051%; no homozygotes.

Submission:

PreventionGenetics, part of Exact Sciences
Classification: Likely benign for CMIP-related condition. Last evaluated: 2019-07-10. Review status: no assertion criteria provided. Collection method: clinical testing. Allele origin: germline.
Comment: This variant is classified as likely benign based on ACMG/AMP sequence variant interpretation guidelines (Richards et al. 2015 PMID: 25741868, with internal and published modifications).